The following is an entry in ClinVar:

ClinVar aggregate classification (germline): Uncertain significance (1 of 4 stars; one submission).

Conditions:
Ehlers-Danlos syndrome, spondylodysplastic type, 3. Also called: Ehlers-Danlos syndrome, spondylocheirodysplastic type. Identifiers: Orphanet 157965, MedGen C2676510, MONDO:0012873, OMIM 612350.

Submission:

Labcorp Genetics (formerly Invitae), Labcorp
Classification: Uncertain significance for Ehlers-Danlos syndrome, spondylodysplastic type, 3. Last evaluated: 2021-06-08. Review status: criteria provided, single submitter. Criteria: Invitae Variant Classification Sherloc (09022015). Collection method: clinical testing. Allele origin: germline.
Comment: This sequence change replaces leucine with proline at codon 330 of the SLC39A13 protein (p.Leu330Pro). The leucine residue is moderately conserved and there is a moderate physicochemical difference between leucine and proline. This variant is not present in population databases (ExAC no frequency). This variant has not been reported in the literature in individuals with SLC39A13-related conditions. Algorithms developed to predict the effect of missense changes on protein structure and function (SIFT, PolyPhen-2, Align-GVGD) all suggest that this variant is likely to be disruptive, but these predictions have not been confirmed by published functional studies and their clinical significance is uncertain. In summary, the available evidence is currently insufficient to determine the role of this variant in disease. Therefore, it has been classified as a Variant of Uncertain Significance.

NM_001128225.3(SLC39A13):c.1010T>C (p.Leu337Pro)

Gene: SLC39A13 (solute carrier family 39 member 13; plus strand). Cytogenetic location: 11p11.2.
Variant type: single nucleotide variant.
Coding change: c.1010T>C on transcript NM_001128225.3 (MANE Select); coding-DNA position 1010, T replaced by C.
Protein change: p.Leu337Pro; replaces leucine 337 with proline.
Molecular consequence: missense variant. On other transcripts: 3 prime UTR variant (1), non-coding transcript variant (1).
Genome position (GRCh38, 1-based): chr11:47,415,129, T>C. VCF-style: chr11-47415129-T-C. GRCh37 (hg19) VCF-style: chr11-47436680-T-C.
Other names: c.*7T>C (NM_001330245.2); c.989T>C, p.Leu330Pro (NM_152264.5); short protein forms L337P, L330P.
Identifiers: ClinVar variation 1360043 (VCV001360043.8), dbSNP rs2153301868, ClinGen allele CA380315114.